The following is an entry in ClinVar:

ClinVar aggregate classification (germline): Uncertain significance (1 of 4 stars; one submission).

Submission:

Labcorp Genetics (formerly Invitae), Labcorp
Classification: Uncertain significance. Last evaluated: 2021-03-31. Review status: criteria provided, single submitter. Criteria: Invitae Variant Classification Sherloc (09022015). Collection method: clinical testing. Allele origin: germline.
Comment: This variant is not present in population databases (ExAC no frequency). In summary, the available evidence is currently insufficient to determine the role of this variant in disease. Therefore, it has been classified as a Variant of Uncertain Significance. Advanced modeling of protein sequence and biophysical properties (such as structural, functional, and spatial information, amino acid conservation, physicochemical variation, residue mobility, and thermodynamic stability) performed at Invitae indicates that this missense variant is expected to disrupt FH protein function. This variant has not been reported in the literature in individuals with FH-related conditions. This sequence change replaces methionine with arginine at codon 328 of the FH protein (p.Met328Arg). The methionine residue is moderately conserved and there is a moderate physicochemical difference between methionine and arginine.

NM_000143.4(FH):c.983T>G (p.Met328Arg)

Gene: FH (fumarate hydratase; minus strand). Cytogenetic location: 1q43.
Variant type: single nucleotide variant.
Coding change: c.983T>G on transcript NM_000143.4 (MANE Select); coding-DNA position 983, T replaced by G.
Protein change: p.Met328Arg; replaces methionine 328 with arginine.
Molecular consequence: missense variant.
Genome position (GRCh38, 1-based): chr1:241,504,167, A>C on the plus strand (T>G on the coding strand, the complement: FH is on the minus strand). VCF-style: chr1-241504167-A-C. GRCh37 (hg19) VCF-style: chr1-241667467-A-C.
Other names: short protein forms M328R.
Identifiers: ClinVar variation 1493184 (VCV001493184.8), dbSNP rs2147916225, ClinGen allele CA345438286.